The following is an entry in ClinVar:

NM_000051.4(ATM):c.4555G>A (p.Val1519Ile)

Gene: ATM (ATM serine/threonine kinase; plus strand). Cytogenetic location: 11q22.3.
Variant type: single nucleotide variant.
Coding change: c.4555G>A on transcript NM_000051.4 (MANE Select); coding-DNA position 4555, G replaced by A.
Protein change: p.Val1519Ile; replaces valine 1519 with isoleucine.
Molecular consequence: missense variant.
Genome position (GRCh38, 1-based): chr11:108,292,737, G>A. VCF-style: chr11-108292737-G-A. GRCh37 (hg19) VCF-style: chr11-108163464-G-A.
Other names: c.4555G>A, p.Val1519Ile (NM_001351834.2); short protein forms V1519I.
Identifiers: ClinVar variation 1347119 (VCV001347119.10), dbSNP rs969120822, ClinGen allele CA382533835.

ClinVar aggregate classification (germline): Uncertain significance. Review status: criteria provided, multiple submitters, no conflicts (2 of 4 stars). 2 submissions from 2 submitters: Uncertain significance (2). Last evaluated 2024-03-04.

Conditions:
Ataxia-telangiectasia syndrome (AT). Also called: Ataxia-telangiectasia, complementation group D; ATAXIA-TELANGIECTASIA, COMPLEMENTATION GROUP A; ATAXIA-TELANGIECTASIA, FRESNO VARIANT; Ataxia-telangiectasia, complementation group E; Cerebello-oculocutaneous telangiectasia; Immunodeficiency with ataxia telangiectasia. Identifiers: Orphanet 100, MedGen C0004135, MONDO:0008840, OMIM 208900.
Hereditary cancer-predisposing syndrome. Also called: Hereditary Cancer Syndrome; Neoplastic Syndromes, Hereditary; Tumor predisposition; Hereditary neoplastic syndrome. Identifiers: Orphanet 140162, MedGen C0027672, MeSH D009386, MONDO:0015356.

Submissions (2):

Labcorp Genetics (formerly Invitae), Labcorp
Classification: Uncertain significance for Ataxia-telangiectasia syndrome. Last evaluated: 2024-03-04. Review status: criteria provided, single submitter. Criteria: Invitae Variant Classification Sherloc (09022015). Collection method: clinical testing. Allele origin: germline.
Comment: This sequence change replaces valine, which is neutral and non-polar, with isoleucine, which is neutral and non-polar, at codon 1519 of the ATM protein (p.Val1519Ile). This variant is not present in population databases (gnomAD no frequency). This variant has not been reported in the literature in individuals affected with ATM-related conditions. ClinVar contains an entry for this variant (Variation ID: 1347119). An algorithm developed to predict the effect of missense changes on protein structure and function (PolyPhen-2) suggests that this variant is likely to be tolerated. In summary, the available evidence is currently insufficient to determine the role of this variant in disease. Therefore, it has been classified as a Variant of Uncertain Significance.

Ambry Genetics
Classification: Uncertain significance for Hereditary cancer-predisposing syndrome. Last evaluated: 2022-05-06. Review status: criteria provided, single submitter. Criteria: Ambry Variant Classification Scheme 2023. Collection method: clinical testing. Allele origin: germline.
Comment: The p.V1519I variant (also known as c.4555G>A), located in coding exon 29 of the ATM gene, results from a G to A substitution at nucleotide position 4555. The valine at codon 1519 is replaced by isoleucine, an amino acid with highly similar properties. This amino acid position is conserved. In addition, this alteration is predicted to be tolerated by in silico analysis. Since supporting evidence is limited at this time, the clinical significance of this alteration remains unclear.